The following is an entry in ClinVar:

ClinVar aggregate classification (germline): Uncertain significance (1 of 4 stars; one submission).

Conditions:
Early-infantile DEE. Also called: Early infantile epileptic encephalopathy; Ohtahara syndrome; Early infantile epileptic encephalopathy with suppression bursts. Identifiers: Orphanet 1934, MedGen C0393706, MONDO:0800491.

gnomAD v4.1: 2 of 150,310 alleles (0.0013%); highest among the groups gnomAD compares: African/African-American, 0.0049%; no homozygotes.

Submission:

Labcorp Genetics (formerly Invitae), Labcorp
Classification: Uncertain significance for Early-infantile DEE. Last evaluated: 2025-03-30. Review status: criteria provided, single submitter. Criteria: Invitae Variant Classification Sherloc (09022015). Collection method: clinical testing. Allele origin: germline.
Comment: This sequence change falls in intron 20 of the SCN1A gene. It does not directly change the encoded amino acid sequence of the SCN1A protein. However, this sequence change falls within a region encompassing a cryptic exon in the SCN1A gene, in which variants have been shown to alter splicing (PMID: 30526861, 34107977). This variant is present in population databases (no rsID available, gnomAD 0.01%). This variant has not been reported in the literature in individuals affected with SCN1A-related conditions. Algorithms developed to predict the effect of sequence changes on RNA splicing suggest that this variant is not likely to affect RNA splicing. In summary, the available evidence is currently insufficient to determine the role of this variant in disease. Therefore, it has been classified as a Variant of Uncertain Significance.

Literature cited by the submitters: PubMed 30526861; PubMed 34107977.

NM_001165963.4(SCN1A):c.4002+2569G>C

Genes: SCN1A (sodium voltage-gated channel alpha subunit 1; minus strand), LOC102724058 (uncharacterized LOC102724058; plus strand). Cytogenetic location: 2q24.3.
Variant type: single nucleotide variant.
Coding change: c.4002+2569G>C on transcript NM_001165963.4 (MANE Select); 2569 bases into the intron after coding-DNA position 4002, G replaced by C.
Molecular consequence: intron variant.
Genome position (GRCh38, 1-based): chr2:166,007,150, C>G on the plus strand (G>C on the coding strand, the complement: SCN1A is on the minus strand). VCF-style: chr2-166007150-C-G. GRCh37 (hg19) VCF-style: chr2-166863660-C-G.
Other names: c.3969+2569G>C (NM_001353949.2, NM_001353950.2, NM_001353951.2 and 2 more transcripts); c.3918+2569G>C (NM_001353958.2, NM_001353957.2, NM_001165964.3); c.4002+2569G>C (NM_001202435.3, NM_001353948.2); c.3966+2569G>C (NM_001353955.2, NM_001353954.2); c.3915+2569G>C (NM_001353960.2); c.1560+2569G>C (NM_001353961.2).
Identifiers: ClinVar variation 3639624 (VCV003639624.2).
Genomic context (GRCh38, chr2:166,007,150, plus strand): 5'-GAAAAGAGGGGATTAGGATGTAAATAATGTATTTTCCCTACTGTGGTGCAATAATAGTAC[C>G]CTTCCCAATCCCTCCCTCACCCCACTACACATAAGTCACAGTGCAAGGATTAAAGGTAGC-3'